The following is an entry in ClinVar:

ClinVar aggregate classification (germline): Pathogenic (1 of 4 stars; one submission).

Submission:

Labcorp Genetics (formerly Invitae), Labcorp
Classification: Pathogenic. Last evaluated: 2023-07-31. Review status: criteria provided, single submitter. Criteria: Invitae Variant Classification Sherloc (09022015). Collection method: clinical testing. Allele origin: germline.
Comment: This sequence change creates a premature translational stop signal (p.Gly1888Alafs*27) in the OTOF gene. It is expected to result in an absent or disrupted protein product. Loss-of-function variants in OTOF are known to be pathogenic (PMID: 18381613, 19250381, 22575033). This variant is not present in population databases (gnomAD no frequency). This variant has not been reported in the literature in individuals affected with OTOF-related conditions. For these reasons, this variant has been classified as Pathogenic.

Literature cited by the submitters: PubMed 18381613; PubMed 19250381; PubMed 22575033.

NM_194248.3(OTOF):c.5661del (p.Gly1888fs)

Gene: OTOF (otoferlin; minus strand). Cytogenetic location: 2p23.3.
Variant type: Deletion.
Coding change: c.5661del on transcript NM_194248.3 (MANE Select); coding-DNA position 5661, one base deleted (A; older notation c.5661delA).
Protein change: p.Gly1888fs; shifts the reading frame from glycine 1888.
Molecular consequence: frameshift variant.
Genome position (GRCh38, 1-based): chr2:26,460,903, T deleted on the plus strand (A on the coding strand, the reverse complement: OTOF is on the minus strand); the first of 3 consecutive T bases (chr2:26,460,903-26,460,905); deleting any one gives the same sequence. VCF-style (leftmost placement, unchanged base first): chr2-26460902-CT-C. GRCh37 (hg19) VCF-style: chr2-26683770-CT-C.
Other names: c.5661del, p.Gly1888fs (NM_001287489.2); c.3360del, p.Gly1121fs (NM_004802.4, NM_194323.3); c.3591del, p.Gly1198fs (NM_194322.3); short protein forms G1121fs, G1198fs, G1888fs.
Identifiers: ClinVar variation 2748665 (VCV002748665.3), dbSNP rs2465492447, ClinGen allele CA2697547847.